The following is an entry in ClinVar:

ClinVar aggregate classification (germline): Uncertain significance (1 of 4 stars; one submission).

Conditions:
Dyskeratosis congenita, autosomal dominant 2. Identifiers: MedGen C3151443, MONDO:0013521, OMIM 613989.
Idiopathic Pulmonary Fibrosis. Also called: Idiopathic fibrosing alveolitis, chronic form; idiopathic fibrosing alveolitis. Identifiers: Orphanet 2032, MedGen C1800706, MeSH D054990, MONDO:0800504.

Submission:

Labcorp Genetics (formerly Invitae), Labcorp
Classification: Uncertain significance for Dyskeratosis congenita, autosomal dominant 2; Idiopathic Pulmonary Fibrosis. Last evaluated: 2023-08-27. Review status: criteria provided, single submitter. Criteria: Invitae Variant Classification Sherloc (09022015). Collection method: clinical testing. Allele origin: germline.
Comment: In summary, the available evidence is currently insufficient to determine the role of this variant in disease. Therefore, it has been classified as a Variant of Uncertain Significance. Advanced modeling of protein sequence and biophysical properties (such as structural, functional, and spatial information, amino acid conservation, physicochemical variation, residue mobility, and thermodynamic stability) performed at Invitae indicates that this missense variant is not expected to disrupt TERT protein function. ClinVar contains an entry for this variant (Variation ID: 1055683). This variant has not been reported in the literature in individuals affected with TERT-related conditions. This variant is not present in population databases (gnomAD no frequency). This sequence change replaces alanine, which is neutral and non-polar, with threonine, which is neutral and polar, at codon 801 of the TERT protein (p.Ala801Thr).

NM_198253.3(TERT):c.2401G>A (p.Ala801Thr)

Gene: TERT (telomerase reverse transcriptase; minus strand). Cytogenetic location: 5p15.33.
Variant type: single nucleotide variant.
Coding change: c.2401G>A on transcript NM_198253.3 (MANE Select); coding-DNA position 2401, G replaced by A.
Protein change: p.Ala801Thr; replaces alanine 801 with threonine.
Molecular consequence: missense variant.
Genome position (GRCh38, 1-based): chr5:1,271,186, C>T on the plus strand (G>A on the coding strand, the complement: TERT is on the minus strand). VCF-style: chr5-1271186-C-T. GRCh37 (hg19) VCF-style: chr5-1271301-C-T.
Other names: c.2401G>A, p.Ala801Thr (NM_001193376.3); short protein forms A801T.
Identifiers: ClinVar variation 1055683 (VCV001055683.7), dbSNP rs1749006856, ClinGen allele CA359075822.